The following is an entry in ClinVar:

ClinVar aggregate classification (germline): Benign/Likely benign. Review status: criteria provided, multiple submitters, no conflicts (2 of 4 stars). 6 submissions from 6 submitters: Benign (1); Likely benign (5). Last evaluated 2026-01-27.

Conditions:
Inborn genetic diseases. Identifiers: MedGen C0950123, MeSH D030342.
Xeroderma pigmentosum, group D (XPD). Also called: ERCC2-Related Xeroderma Pigmentosum; XERODERMA PIGMENTOSUM, COMPLEMENTATION GROUP D; XERODERMA PIGMENTOSUM IV; XP, GROUP D; XP, GROUP H. Identifiers: MedGen C0268138, MONDO:0010212, OMIM 278730.
ERCC2-related disorder. Also called: ERCC2-related disorders; ERCC2-related conditions; ERCC2-related condition. Identifiers: MedGen CN239291.

Allele frequency attached by ClinVar (database versions not stated): gnomAD 0.00004 and 0.00022; TOPMed 0.00006; gnomAD exomes 0.00044 and 0.00090; ExAC 0.00105; 1000 Genomes Project 0.00160; 1000 Genomes Project 30x 0.00172.
gnomAD v4.1: 683 of 1,614,112 alleles (0.042%); highest among the groups gnomAD compares: South Asian, 0.65%; 7 homozygotes.

Submissions (6):

Labcorp Genetics (formerly Invitae), Labcorp
Classification: Benign. Last evaluated: 2026-01-27. Review status: criteria provided, single submitter. Criteria: Invitae Variant Classification Sherloc (09022015). Collection method: clinical testing. Allele origin: germline.

PreventionGenetics, part of Exact Sciences
Classification: Likely benign for ERCC2-related condition. Last evaluated: 2025-10-29. Review status: criteria provided, single submitter. Criteria: ACMG Guidelines, 2015. Collection method: clinical testing. Allele origin: germline.
Comment: This variant is classified as likely benign based on ACMG/AMP sequence variant interpretation guidelines (Richards et al. 2015 PMID: 25741868, with internal and published modifications).

Blueprint Genetics
Classification: Likely benign. Last evaluated: 2024-11-07. Review status: criteria provided, single submitter. Criteria: ACMG Guidelines, 2015. Collection method: clinical testing. Allele origin: germline.

CeGaT Center for Human Genetics Tuebingen
Classification: Likely benign. Last evaluated: 2024-11-01. Review status: criteria provided, single submitter. Criteria: CeGaT Center For Human Genetics Tuebingen Variant Classification Criteria Version 2. Collection method: clinical testing. Allele origin: germline. Affected: yes. Observed: 2 variant alleles.
Comment: ERCC2: BP4, BP7

Ambry Genetics
Classification: Likely benign for Inborn genetic diseases. Last evaluated: 2022-02-12. Review status: criteria provided, single submitter. Criteria: Ambry Variant Classification Scheme 2023. Collection method: clinical testing. Allele origin: germline.

Illumina Laboratory Services, Illumina
Classification: Likely benign for Xeroderma pigmentosum, group D. Last evaluated: 2018-01-12. Review status: criteria provided, single submitter. Criteria: ICSL Variant Classification Criteria 13 December 2019. Collection method: clinical testing. Allele origin: germline.
Comment: This variant was observed in the ICSL laboratory as part of a predisposition screen in an ostensibly healthy population. It had not been previously curated by ICSL or reported in the Human Gene Mutation Database (HGMD: prior to June 1st, 2018), and was therefore a candidate for classification through an automated scoring system. Utilizing variant allele frequency, disease prevalence and penetrance estimates, and inheritance mode, an automated score was calculated to assess if this variant is too frequent to cause the disease. Based on the score and internal cut-off values, a variant classified as likely benign is not then subjected to further curation. The score for this variant resulted in a classification of likely benign for this disease.

NM_000400.4(ERCC2):c.387C>T (p.Asp129=)

Gene: ERCC2 (ERCC excision repair 2, TFIIH core complex helicase subunit; minus strand). Cytogenetic location: 19q13.32.
Variant type: single nucleotide variant.
Coding change: c.387C>T on transcript NM_000400.4 (MANE Select); coding-DNA position 387, C replaced by T.
Protein change: p.Asp129=; no amino-acid change (aspartic acid 129 retained).
Molecular consequence: synonymous variant.
Genome position (GRCh38, 1-based): chr19:45,365,132, G>A on the plus strand (C>T on the coding strand, the complement: ERCC2 is on the minus strand). VCF-style: chr19-45365132-G-A. GRCh37 (hg19) VCF-style: chr19-45868390-G-A.
Other names: c.315C>T, p.Asp105= (NM_001130867.2).
Identifiers: ClinVar variation 761183 (VCV000761183.40), dbSNP rs199993007, ClinGen allele CA9513802.